The following is an entry in ClinVar:

ClinVar aggregate classification (germline): Uncertain significance. Review status: criteria provided, multiple submitters, no conflicts (2 of 4 stars). 2 submissions from 2 submitters: Uncertain significance (2). Last evaluated 2025-12-03.

Conditions:
Medulloblastoma (MDB). Also called: MEDULLOBLASTOMA PREDISPOSITION SYNDROME; Medulloblastoma, somatic. Identifiers: Orphanet 616, MedGen C0025149, MeSH D008527, MONDO:0007959, OMIM 155255, HP:0002885.
Gorlin syndrome. Also called: Nevoid Basal Cell Carcinoma Syndrome; Basal cell nevus syndrome. Identifiers: Orphanet 377, MedGen C0004779, MONDO:0007187.
Hereditary cancer-predisposing syndrome. Also called: Neoplastic Syndromes, Hereditary; Hereditary neoplastic syndrome; Tumor predisposition; Hereditary Cancer Syndrome. Identifiers: Orphanet 140162, MedGen C0027672, MeSH D009386, MONDO:0015356.

Allele frequency attached by ClinVar (database versions not stated): gnomAD exomes below 0.00001.
gnomAD v4.1: 1 of 1,614,142 alleles (0.000062%); highest among the groups gnomAD compares: Non-Finnish European, 0.000085%; no homozygotes.

Submissions (2):

Ambry Genetics
Classification: Uncertain significance for Hereditary cancer-predisposing syndrome. Last evaluated: 2025-12-03. Review status: criteria provided, single submitter. Criteria: Ambry Variant Classification Scheme 2023. Collection method: clinical testing. Allele origin: germline.
Comment: The p.M238T variant (also known as c.713T>C), located in coding exon 6 of the SUFU gene, results from a T to C substitution at nucleotide position 713. The methionine at codon 238 is replaced by threonine, an amino acid with similar properties. This amino acid position is conserved. In addition, this alteration is predicted to be deleterious by in silico analysis. Based on the available evidence, the clinical significance of this variant remains unclear.

Labcorp Genetics (formerly Invitae), Labcorp
Classification: Uncertain significance for Gorlin syndrome; Medulloblastoma. Last evaluated: 2020-12-02. Review status: criteria provided, single submitter. Criteria: Invitae Variant Classification Sherloc (09022015). Collection method: clinical testing. Allele origin: germline.
Comment: This variant is not present in population databases (ExAC no frequency). This variant has not been reported in the literature in individuals with SUFU-related conditions. Algorithms developed to predict the effect of missense changes on protein structure and function (SIFT, PolyPhen-2, Align-GVGD) all suggest that this variant is likely to be disruptive, but these predictions have not been confirmed by published functional studies and their clinical significance is uncertain. In summary, the available evidence is currently insufficient to determine the role of this variant in disease. Therefore, it has been classified as a Variant of Uncertain Significance. This sequence change replaces methionine with threonine at codon 238 of the SUFU protein (p.Met238Thr). The methionine residue is highly conserved and there is a moderate physicochemical difference between methionine and threonine.

NM_016169.4(SUFU):c.713T>C (p.Met238Thr)

Gene: SUFU (SUFU negative regulator of hedgehog signaling; plus strand). Cytogenetic location: 10q24.32.
Variant type: single nucleotide variant.
Coding change: c.713T>C on transcript NM_016169.4 (MANE Select); coding-DNA position 713, T replaced by C.
Protein change: p.Met238Thr; replaces methionine 238 with threonine.
Molecular consequence: missense variant.
Genome position (GRCh38, 1-based): chr10:102,594,022, T>C. VCF-style: chr10-102594022-T-C. GRCh37 (hg19) VCF-style: chr10-104353779-T-C.
Other names: c.713T>C, p.Met238Thr (NM_001178133.2); short protein forms M238T.
Identifiers: ClinVar variation 845458 (VCV000845458.12), dbSNP rs2063434396, ClinGen allele CA377909798.